The following is an entry in ClinVar:

NM_145239.3(PRRT2):c.280G>T (p.Glu94Ter)

Genes: MVP-DT (MVP divergent transcript; minus strand), PRRT2 (proline rich transmembrane protein 2; plus strand). Cytogenetic location: 16p11.2.
Variant type: single nucleotide variant.
Coding change: c.280G>T on transcript NM_145239.3 (MANE Select); coding-DNA position 280, G replaced by T.
Protein change: p.Glu94Ter; replaces glutamic acid 94 with a stop codon.
Molecular consequence: nonsense.
Genome position (GRCh38, 1-based): chr16:29,813,334, G>T. VCF-style: chr16-29813334-G-T. GRCh37 (hg19) VCF-style: chr16-29824655-G-T.
Other names: c.280G>T, p.Glu94Ter (NM_001256442.2, NM_001256443.2, NM_001438120.1 and 2 more transcripts); short protein forms E94*.
Identifiers: ClinVar variation 4716489 (VCV004716489.2).

ClinVar aggregate classification (germline): Pathogenic/Likely pathogenic. Review status: criteria provided, multiple submitters, no conflicts (2 of 4 stars). 2 submissions from 2 submitters: Pathogenic (1); Likely pathogenic (1). Last evaluated 2025-04-01.

Conditions:
PRRT2-Related Disorder. Also called: PRRT2-related disorders. Identifiers: MedGen CN381059.
Episodic kinesigenic dyskinesia (EKD). Also called: Paroxysmal kinesigenic dyskinesia. Identifiers: Orphanet 98809, MedGen C1868682, MONDO:0044202.

Submissions (2):

Labcorp Genetics (formerly Invitae), Labcorp
Classification: Pathogenic for Episodic kinesigenic dyskinesia. Last evaluated: 2025-04-01. Review status: criteria provided, single submitter. Criteria: Invitae Variant Classification Sherloc (09022015). Collection method: clinical testing. Allele origin: germline.
Comment: This sequence change creates a premature translational stop signal (p.Glu94*) in the PRRT2 gene. It is expected to result in an absent or disrupted protein product. Loss-of-function variants in PRRT2 are known to be pathogenic (PMID: 22623405, 22744660). This variant is not present in population databases (gnomAD no frequency). This variant has not been reported in the literature in individuals affected with PRRT2-related conditions. For these reasons, this variant has been classified as Pathogenic.

Blueprint Genetics
Classification: Likely pathogenic for PRRT2-related disorders. Last evaluated: 2022-12-07. Review status: criteria provided, single submitter. Criteria: ACMG Guidelines, 2015. Collection method: clinical testing. Allele origin: germline. Affected: yes. Observed: 1 variant allele.

Literature cited by the submitters: PubMed 22623405 (cited by Labcorp Genetics (formerly Invitae), Labcorp); PubMed 22744660 (cited by Labcorp Genetics (formerly Invitae), Labcorp).